The following is an entry in ClinVar:

NM_032119.4(ADGRV1):c.22+6C>T

Genes: ADGRV1 (adhesion G protein-coupled receptor V1; plus strand), LOC129994205 (ATAC-STARR-seq lymphoblastoid silent region 16170; plus strand). Cytogenetic location: 5q14.3.
Variant type: single nucleotide variant.
Coding change: c.22+6C>T on transcript NM_032119.4 (MANE Select); 6 bases into the intron after coding-DNA position 22, C replaced by T.
Molecular consequence: intron variant.
Genome position (GRCh38, 1-based): chr5:90,558,923, C>T. VCF-style: chr5-90558923-C-T. GRCh37 (hg19) VCF-style: chr5-89854740-C-T.
Identifiers: ClinVar variation 1469188 (VCV001469188.4), dbSNP rs767310903, ClinGen allele CA3338344.

ClinVar aggregate classification (germline): Conflicting classifications of pathogenicity. Review status: criteria provided, conflicting classifications (1 of 4 stars). 2 submissions from 2 submitters: Uncertain significance (1); Likely benign (1). Last evaluated 2022-03-04.

Allele frequency attached by ClinVar (database versions not stated): gnomAD 0.00001; gnomAD exomes 0.00001; TOPMed 0.00002.
gnomAD v4.1: 21 of 1,556,264 alleles (0.0013%); highest among the groups gnomAD compares: Admixed American, 0.0058%; no homozygotes.

Submissions (2):

Blueprint Genetics
Classification: Likely benign. Last evaluated: 2022-03-04. Review status: criteria provided, single submitter. Criteria: ACMG Guidelines, 2015. Collection method: clinical testing. Allele origin: germline.

Labcorp Genetics (formerly Invitae), Labcorp
Classification: Uncertain significance. Last evaluated: 2021-08-25. Review status: criteria provided, single submitter. Criteria: Invitae Variant Classification Sherloc (09022015). Collection method: clinical testing. Allele origin: germline.
Comment: This sequence change falls in intron 1 of the ADGRV1 gene. It does not directly change the encoded amino acid sequence of the ADGRV1 protein. It affects a nucleotide within the consensus splice site of the intron. The frequency data for this variant in the population databases is considered unreliable, as metrics indicate poor data quality at this position in the ExAC database. This variant has not been reported in the literature in individuals affected with ADGRV1-related conditions. Variants that disrupt the consensus splice site are a relatively common cause of aberrant splicing (PMID: 17576681, 9536098). Algorithms developed to predict the effect of sequence changes on RNA splicing suggest that this variant is not likely to affect RNA splicing. In summary, the available evidence is currently insufficient to determine the role of this variant in disease. Therefore, it has been classified as a Variant of Uncertain Significance.

Literature cited by the submitters: PubMed 17576681 (cited by Labcorp Genetics (formerly Invitae), Labcorp); PubMed 9536098 (cited by Labcorp Genetics (formerly Invitae), Labcorp).